The following is an entry in ClinVar:

ClinVar aggregate classification (germline): Pathogenic (1 of 4 stars; one submission).

Conditions:
Cohen syndrome (COH1). Also called: Cutis verticis gyrata, retinitis pigmentosa, and sensorineural deafness; PEPPER SYNDROME. Identifiers: Orphanet 193, MedGen C0265223, MONDO:0008999, OMIM 216550.

Submission:

Labcorp Genetics (formerly Invitae), Labcorp
Classification: Pathogenic for Cohen syndrome. Last evaluated: 2023-08-31. Review status: criteria provided, single submitter. Criteria: Invitae Variant Classification Sherloc (09022015). Collection method: clinical testing. Allele origin: germline.
Comment: For these reasons, this variant has been classified as Pathogenic. ClinVar contains an entry for this variant (Variation ID: 961849). This variant has not been reported in the literature in individuals affected with VPS13B-related conditions. This variant is not present in population databases (gnomAD no frequency). This sequence change creates a premature translational stop signal (p.Tyr285*) in the VPS13B gene. It is expected to result in an absent or disrupted protein product. Loss-of-function variants in VPS13B are known to be pathogenic (PMID: 15141358, 16648375, 20461111).

Literature cited by the submitters: PubMed 15141358; PubMed 16648375; PubMed 20461111.

NM_152564.5(VPS13B):c.855C>A (p.Tyr285Ter)

Gene: VPS13B (vacuolar protein sorting 13 homolog B; plus strand). Cytogenetic location: 8q22.2.
Variant type: single nucleotide variant.
Coding change: c.855C>A on transcript NM_152564.5 (MANE Select); coding-DNA position 855, C replaced by A.
Protein change: p.Tyr285Ter; replaces tyrosine 285 with a stop codon.
Molecular consequence: nonsense. On other transcripts: non-coding transcript variant (1).
Genome position (GRCh38, 1-based): chr8:99,115,792, C>A. VCF-style: chr8-99115792-C-A. GRCh37 (hg19) VCF-style: chr8-100128020-C-A.
Other names: c.855C>A, p.Tyr285Ter (NM_015243.3, NM_017890.5, NM_181661.3); short protein forms Y285*.
Identifiers: ClinVar variation 961849 (VCV000961849.7), dbSNP rs1256482530, ClinGen allele CA371860549.